The following is an entry in ClinVar:

ClinVar aggregate classification (germline): Uncertain significance (1 of 4 stars; one submission).

Conditions:
Ehlers-Danlos syndrome, classic type, 1 (EDSCL1). Also called: Ehlers-Danlos Syndrome, Classic Type, COL5A1-Related; EHLERS-DANLOS SYNDROME, GRAVIS TYPE; EHLERS-DANLOS SYNDROME, SEVERE CLASSIC TYPE; Ehlers-Danlos syndrome, type 1; EDS I. Identifiers: MedGen C0268335, MONDO:0019567, OMIM 130000.

Submission:

Labcorp Genetics (formerly Invitae), Labcorp
Classification: Uncertain significance for Ehlers-Danlos syndrome, classic type, 1. Last evaluated: 2022-09-22. Review status: criteria provided, single submitter. Criteria: Invitae Variant Classification Sherloc (09022015). Collection method: clinical testing. Allele origin: germline.
Comment: This variant is not present in population databases (gnomAD no frequency). This sequence change replaces arginine, which is basic and polar, with threonine, which is neutral and polar, at codon 710 of the COL5A2 protein (p.Arg710Thr). This variant has not been reported in the literature in individuals affected with COL5A2-related conditions. In summary, the available evidence is currently insufficient to determine the role of this variant in disease. Therefore, it has been classified as a Variant of Uncertain Significance. Algorithms developed to predict the effect of missense changes on protein structure and function are either unavailable or do not agree on the potential impact of this missense change (SIFT: "Deleterious"; PolyPhen-2: "Not Available"; Align-GVGD: "Class C65").

NM_000393.5(COL5A2):c.2129G>C (p.Arg710Thr)

Gene: COL5A2 (collagen type V alpha 2 chain; minus strand). Cytogenetic location: 2q32.2.
Variant type: single nucleotide variant.
Coding change: c.2129G>C on transcript NM_000393.5 (MANE Select); coding-DNA position 2129, G replaced by C.
Protein change: p.Arg710Thr; replaces arginine 710 with threonine.
Molecular consequence: missense variant.
Genome position (GRCh38, 1-based): chr2:189,058,850, C>G on the plus strand (G>C on the coding strand, the complement: COL5A2 is on the minus strand). VCF-style: chr2-189058850-C-G. GRCh37 (hg19) VCF-style: chr2-189923576-C-G.
Other names: short protein forms R710T.
Identifiers: ClinVar variation 2173879 (VCV002173879.4), dbSNP rs2469281045, ClinGen allele CA349876128.
Genomic context (GRCh38, chr2:189,058,850, plus strand): 5'-ACCTTTTAAAACTGAAGCCAGTGGGAAACAACATTAATCATGAAGATTAAAATACTTACT[C>G]TAGGTCCTAACGGGCCAACTGCTCCGGGATCTCCAGGAACACCCTATAAACACATTTTTT-3'
Protein context (NP_000384.2, residues 700-720): DPGAVGPLGP[Arg710Thr]GERGNPGERG